The following is an entry in ClinVar:

ClinVar aggregate classification (germline): Likely pathogenic (1 of 4 stars; one submission).

Conditions:
Developmental and epileptic encephalopathy. Identifiers: MedGen C5779964, MONDO:0100620.

Submission:

Labcorp Genetics (formerly Invitae), Labcorp
Classification: Likely pathogenic for Early-infantile DEE. Last evaluated: 2020-03-20. Review status: criteria provided, single submitter. Criteria: Invitae Variant Classification Sherloc (09022015). Collection method: clinical testing. Allele origin: germline.
Comment: In summary, the currently available evidence indicates that the variant is pathogenic, but additional data are needed to prove that conclusively. Therefore, this variant has been classified as Likely Pathogenic. This variant disrupts the p.Pro335Leu amino acid residue in KCNQ2. Other variant(s) that disrupt this residue have been determined to be pathogenic (PMID: 25533962, 28867141, Invitae). This suggests that this residue is clinically significant, and that variants that disrupt this residue are likely to be disease-causing. This variant has not been reported in the literature in individuals with KCNQ2-related conditions. This variant is an in-frame deletion of the genomic region encompassing exon(s) 7 of the KCNQ2 gene. It preserves the integrity of the reading frame.

Literature cited by the submitters: PubMed 25533962; PubMed 28867141.

NC_000020.10:g.(?_62069958)_(62070093_?)del

Gene: KCNQ2 (potassium voltage-gated channel subfamily Q member 2; minus strand). Cytogenetic location: 20q13.33.
Variant type: Deletion.
Identifiers: ClinVar variation 1067610 (VCV001067610.8).